The following is an entry in ClinVar:

NM_001164508.2(NEB):c.4127A>G (p.Asn1376Ser)

Gene: NEB (nebulin; minus strand). Cytogenetic location: 2q23.3.
Variant type: single nucleotide variant.
Coding change: c.4127A>G on transcript NM_001164508.2 (MANE Select); coding-DNA position 4127, A replaced by G.
Protein change: p.Asn1376Ser; replaces asparagine 1376 with serine.
Molecular consequence: missense variant.
Genome position (GRCh38, 1-based): chr2:151,672,541, T>C on the plus strand (A>G on the coding strand, the complement: NEB is on the minus strand). VCF-style: chr2-151672541-T-C. GRCh37 (hg19) VCF-style: chr2-152529055-T-C.
Other names: c.4127A>G, p.Asn1376Ser (NM_001164507.2, NM_001271208.2, NM_004543.5); short protein forms N1376S.
Identifiers: ClinVar variation 593408 (VCV000593408.7), dbSNP rs1309733626, ClinGen allele CA348816738.

ClinVar aggregate classification (germline): Uncertain significance. Review status: criteria provided, multiple submitters, no conflicts (2 of 4 stars). 2 submissions from 2 submitters: Uncertain significance (2). Last evaluated 2024-12-16.

Conditions:
Nemaline myopathy 2 (NEM2). Also called: Nemaline myopathy 2, autosomal recessive. Identifiers: MedGen C1850569, MONDO:0009725, OMIM 256030.

Allele frequency attached by ClinVar (database versions not stated): gnomAD exomes 0.00001; TOPMed 0.00002; gnomAD 0.00003 and 0.00004.
gnomAD v4.1: 14 of 1,613,866 alleles (0.00087%); highest among the groups gnomAD compares: Non-Finnish European, 0.0012%; no homozygotes.

Submissions (2):

Labcorp Genetics (formerly Invitae), Labcorp
Classification: Uncertain significance for Nemaline myopathy 2. Last evaluated: 2024-12-16. Review status: criteria provided, single submitter. Criteria: Invitae Variant Classification Sherloc (09022015). Collection method: clinical testing. Allele origin: germline.
Comment: This sequence change replaces asparagine, which is neutral and polar, with serine, which is neutral and polar, at codon 1376 of the NEB protein (p.Asn1376Ser). This variant is present in population databases (no rsID available, gnomAD 0.01%). This variant has not been reported in the literature in individuals affected with NEB-related conditions. ClinVar contains an entry for this variant (Variation ID: 593408). Experimental studies and prediction algorithms are not available or were not evaluated, and the functional significance of this variant is currently unknown. In summary, the available evidence is currently insufficient to determine the role of this variant in disease. Therefore, it has been classified as a Variant of Uncertain Significance.

Eurofins Ntd Llc (ga)
Classification: Uncertain significance. Last evaluated: 2017-08-10. Review status: criteria provided, single submitter. Criteria: EGL Classification Definitions 2015. Collection method: clinical testing. Allele origin: germline. Observed: 1 variant allele, 1 heterozygote.